The following is an entry in ClinVar:

NM_170606.3(KMT2C):c.3821A>G (p.Lys1274Arg)

Gene: KMT2C (lysine methyltransferase 2C; minus strand). Cytogenetic location: 7q36.1.
Variant type: single nucleotide variant.
Coding change: c.3821A>G on transcript NM_170606.3 (MANE Select); coding-DNA position 3821, A replaced by G.
Protein change: p.Lys1274Arg; replaces lysine 1274 with arginine.
Molecular consequence: missense variant.
Genome position (GRCh38, 1-based): chr7:152,207,320, T>C on the plus strand (A>G on the coding strand, the complement: KMT2C is on the minus strand). VCF-style: chr7-152207320-T-C. GRCh37 (hg19) VCF-style: chr7-151904405-T-C.
Other names: short protein forms K1274R.
Identifiers: ClinVar variation 1806233 (VCV001806233.2), dbSNP rs2487956760, ClinGen allele CA370108420.
Genomic context (GRCh38, chr7:152,207,320, plus strand): 5'-AGTGTTGATGATATTGAAATGTCTACCTCAGGCACTATACCTGGTCTGTATGGTTTCCTT[T>C]TTCTCTTTTTGACACCATCTGTTCCTTCCACTCCCTTAGTTTCATCATCCACAGCTTCCC-3'
Protein context (NP_733751.2, residues 1264-1284): VEGTDGVKKR[Lys1274Arg]RKPYRPGIGG

ClinVar aggregate classification (germline): Likely benign (1 of 4 stars; one submission).

Conditions:
Kleefstra syndrome 2 (KLEFS2). Identifiers: MedGen C4540395, MONDO:0054701, OMIM 617768.

Submission:

Victorian Clinical Genetics Services, Murdoch Childrens Research Institute
Classification: Likely benign for Kleefstra syndrome 2. Last evaluated: 2023-12-21. Review status: criteria provided, single submitter. Criteria: ACMG Guidelines, 2015. Collection method: clinical testing. Allele origin: germline. Inheritance: Autosomal dominant inheritance. Affected: yes.
Comment: Based on the classification scheme VCGS_Germline_v1.3.4, this variant is classified as Likely benign. Following criteria are met: 0102 - Loss of function is a known mechanism of disease in this gene and is associated with Kleefstra syndrome 2 (MIM#617768). (I) 0107 - This gene is associated with autosomal dominant disease. (I) 0200 - Variant is predicted to result in a missense amino acid change from lysine to arginine. (I) 0251 - This variant is heterozygous. (I) 0301 - Variant is absent from gnomAD (both v2 and v3). (SP) 0501 - Missense variant consistently predicted to be damaging by multiple in silico tools or highly conserved with a major amino acid change. (SP) 0604 - Variant is not located in an established domain, motif, hotspot or informative constraint region. (I) 0705 - No comparable missense variants have previous evidence for pathogenicity. (I) 0807 - This variant has no previous evidence of pathogenicity. (I) 0905 - No published segregation evidence has been identified for this variant. (I) 1007 - No published functional evidence has been identified for this variant. (I) Legend: (SP) - Supporting pathogenic, (I) - Information, (SB) - Supporting benign